The following is an entry in ClinVar:

NM_004168.4(SDHA):c.564G>A (p.Arg188=)

Gene: SDHA (succinate dehydrogenase complex flavoprotein subunit A; plus strand). Cytogenetic location: 5p15.33.
Variant type: single nucleotide variant.
Coding change: c.564G>A on transcript NM_004168.4 (MANE Select); coding-DNA position 564, G replaced by A.
Protein change: p.Arg188=; no amino-acid change (arginine 188 retained).
Molecular consequence: synonymous variant.
Genome position (GRCh38, 1-based): chr5:225,990, G>A. VCF-style: chr5-225990-G-A. GRCh37 (hg19) VCF-style: chr5-226105-G-A.
Other names: c.420G>A, p.Arg140= (NM_001294332.2); c.564G>A, p.Arg188= (NM_001330758.2).
Identifiers: ClinVar variation 825874 (VCV000825874.14), dbSNP rs1579385933, ClinGen allele CA442691138.
Genomic context (GRCh38, chr5:225,990, plus strand): 5'-TTATCAGCGTGCATTTGGTGGACAGAGCCTCAAGTTTGGAAAGGGCGGGCAGGCCCATCG[G>A]TGCTGCTGTGTGGCTGATCGGACTGGCCACTCGCTATTGCACACCTTATATGGAAGGGTA-3'
Protein context (NP_004159.2, residues 178-198): LKFGKGGQAH[Arg188=]CCCVADRTGH

ClinVar aggregate classification (germline): Benign/Likely benign. Review status: criteria provided, multiple submitters, no conflicts (2 of 4 stars). 3 submissions from 3 submitters: Benign (1); Likely benign (2). Last evaluated 2025-05-13.

Conditions:
Pheochromocytoma/paraganglioma syndrome 5. Also called: Paragangliomas 5; SDHA-Related Hereditary Paraganglioma-Pheochromocytoma Syndrome. Identifiers: Orphanet 29072, MedGen C3279992, MONDO:0013602, OMIM 614165.
Mitochondrial complex II deficiency, nuclear type 1. Also called: SUCCINATE CoQ REDUCTASE DEFICIENCY. Identifiers: Orphanet 3208, MedGen C5700310, MONDO:0100294, OMIM 252011.
Hereditary cancer-predisposing syndrome. Also called: Tumor predisposition; Hereditary neoplastic syndrome; Neoplastic Syndromes, Hereditary; Hereditary Cancer Syndrome. Identifiers: Orphanet 140162, MedGen C0027672, MeSH D009386, MONDO:0015356.

Allele frequency attached by ClinVar (database versions not stated): TOPMed below 0.00001; gnomAD 0.00001.
gnomAD v4.1: 10 of 1,614,070 alleles (0.00062%); highest among the groups gnomAD compares: Non-Finnish European, 0.00085%; no homozygotes.

Submissions (3):

Labcorp Genetics (formerly Invitae), Labcorp
Classification: Likely benign for Pheochromocytoma/paraganglioma syndrome 5; Mitochondrial complex II deficiency, nuclear type 1. Last evaluated: 2025-05-13. Review status: criteria provided, single submitter. Criteria: Invitae Variant Classification Sherloc (09022015). Collection method: clinical testing. Allele origin: germline.

Myriad Genetics, Inc.
Classification: Benign for Pheochromocytoma/paraganglioma syndrome 5. Last evaluated: 2025-03-03. Review status: criteria provided, single submitter. Criteria: Myriad Autosomal Dominant, Autosomal Recessive and X-Linked Classification Criteria (2023). Collection method: clinical testing. Allele origin: unknown.
Comment: This variant is considered benign. This variant is a silent/synonymous amino acid change and it is not expected to impact splicing.

Ambry Genetics
Classification: Likely benign for Hereditary cancer-predisposing syndrome. Last evaluated: 2019-09-04. Review status: criteria provided, single submitter. Criteria: Ambry Variant Classification Scheme 2023. Collection method: clinical testing. Allele origin: germline.